The following is an entry in ClinVar:

ClinVar aggregate classification (germline): Uncertain significance. Review status: criteria provided, multiple submitters, no conflicts (2 of 4 stars). 3 submissions from 3 submitters: Uncertain significance (2). 1 of the submissions does not count toward it. Last evaluated 2024-05-16.

Conditions:
Usher syndrome type 1 (USH1). Also called: RETINITIS PIGMENTOSA AND CONGENITAL DEAFNESS. Identifiers: Orphanet 231169, Orphanet 886, MedGen C1568247, MONDO:0010168, OMIM 276900.

Allele frequency attached by ClinVar (database versions not stated): gnomAD 0.00002; TOPMed 0.00002.
gnomAD v4.1: 25 of 1,613,836 alleles (0.0015%); highest among the groups gnomAD compares: Admixed American, 0.015%; no homozygotes.

Submissions (3):

GeneDx
Classification: Uncertain significance. Last evaluated: 2024-05-16. Review status: criteria provided, single submitter. Criteria: GeneDx Variant Classification Process June 2021. Collection method: clinical testing. Allele origin: germline. Affected: yes.
Comment: In silico analysis indicates that this missense variant does not alter protein structure/function; Has not been previously published as pathogenic or benign to our knowledge

Labcorp Genetics (formerly Invitae), Labcorp
Classification: Uncertain significance. Last evaluated: 2022-06-03. Review status: criteria provided, single submitter. Criteria: Invitae Variant Classification Sherloc (09022015). Collection method: clinical testing. Allele origin: germline.
Comment: This sequence change replaces glutamic acid, which is acidic and polar, with lysine, which is basic and polar, at codon 2173 of the CDH23 protein (p.Glu2173Lys). This variant is present in population databases (rs770659035, gnomAD 0.01%). This variant has not been reported in the literature in individuals affected with CDH23-related conditions. ClinVar contains an entry for this variant (Variation ID: 971835). Algorithms developed to predict the effect of missense changes on protein structure and function are either unavailable or do not agree on the potential impact of this missense change (SIFT: "Deleterious"; PolyPhen-2: "Not Available"; Align-GVGD: "Class C55"). In summary, the available evidence is currently insufficient to determine the role of this variant in disease. Therefore, it has been classified as a Variant of Uncertain Significance.

Natera, Inc.
Classification: Uncertain significance for Usher syndrome type 1. Last evaluated: 2020-03-26. Review status: no assertion criteria provided. Collection method: clinical testing. Allele origin: germline. Not counted in ClinVar's aggregate classification.

NM_022124.6(CDH23):c.6517G>A (p.Glu2173Lys)

Gene: CDH23 (cadherin related 23; plus strand). Cytogenetic location: 10q22.1.
Variant type: single nucleotide variant.
Coding change: c.6517G>A on transcript NM_022124.6 (MANE Select); coding-DNA position 6517, G replaced by A.
Protein change: p.Glu2173Lys; replaces glutamic acid 2173 with lysine.
Molecular consequence: missense variant.
Genome position (GRCh38, 1-based): chr10:71,793,445, G>A. VCF-style: chr10-71793445-G-A. GRCh37 (hg19) VCF-style: chr10-73553202-G-A.
Other names: short protein forms E2173K.
Identifiers: ClinVar variation 971835 (VCV000971835.6), dbSNP rs770659035, ClinGen allele CA5546101.
Genomic context (GRCh38, chr10:71,793,445, plus strand): 5'-CCTCTCTCGGGCACAGCCATTGTCACCATTCTGATCGATGACATCAATGACTCCCGCCCC[G>A]AGTTCCTCAACCCCATCCAGACAGTGAGCGTGCTGGAGTCGGCTGAGCCAGGCACTGTCA-3'
Protein context (NP_071407.4, residues 2163-2183): LIDDINDSRP[Glu2173Lys]FLNPIQTVSV